The following is an entry in ClinVar:

NM_020964.3(EPG5):c.6112T>C (p.Cys2038Arg)

Gene: EPG5 (ectopic P-granules 5 autophagy tethering factor; minus strand). Cytogenetic location: 18q12.3.
Variant type: single nucleotide variant.
Coding change: c.6112T>C on transcript NM_020964.3 (MANE Select); coding-DNA position 6112, T replaced by C.
Protein change: p.Cys2038Arg; replaces cysteine 2038 with arginine.
Molecular consequence: missense variant.
Genome position (GRCh38, 1-based): chr18:45,870,680, A>G on the plus strand (T>C on the coding strand, the complement: EPG5 is on the minus strand). VCF-style: chr18-45870680-A-G. GRCh37 (hg19) VCF-style: chr18-43450645-A-G.
Other names: c.6112T>C, p.Cys2038Arg (LRG_1234t1); short protein forms C2038R.
Identifiers: ClinVar variation 626230 (VCV000626230.2), dbSNP rs375057925, ClinGen allele CA402340771.

ClinVar aggregate classification (germline): Uncertain significance (1 of 4 stars; one submission).

Conditions:
Vici syndrome (VICIS). Identifiers: Orphanet 1493, MedGen C1855772, MONDO:0009452, OMIM 242840.

gnomAD v4.1: 2 of 1,613,686 alleles (0.00012%); highest among the groups gnomAD compares: South Asian, 0.0011%; no homozygotes.

Submission:

SIB Swiss Institute of Bioinformatics
Classification: Uncertain significance for Vici syndrome. Last evaluated: 2019-01-17. Review status: criteria provided, single submitter. Criteria: ACMG Guidelines, 2015. Collection method: curation. Allele origin: unknown.
Comment: This variant is interpreted as a Uncertain significance for Vici syndrome, autosomal recessive. The following ACMG Tag(s) were applied: PM2 => Absent from controls (or at extremely low frequency if recessive) in Exome Sequencing Project, 1000 Genomes Project, or Exome Aggregation Consortium. PP3 => Multiple lines of computational evidence support a deleterious effect on the gene or gene product. PM3 => For recessive disorders, detected in trans with a pathogenic variant (PMID:23222957).

ClinGen:CA402340771

Literature cited by the submitters: PubMed 23222957.